The following is an entry in ClinVar:

ClinVar aggregate classification (germline): Uncertain significance (1 of 4 stars; one submission).

Conditions:
Immunodeficiency, developmental delay, and hypohomocysteinemia. Identifiers: MedGen C4540293, MONDO:0060591, OMIM 617744.

gnomAD v4.1: 1 of 1,614,242 alleles (0.000062%); no homozygotes.

Submission:

Laboratorio de Genetica e Diagnostico Molecular, Hospital Israelita Albert Einstein
Classification: Uncertain significance for Immunodeficiency, developmental delay, and hypohomocysteinemia. Last evaluated: 2022-01-29. Review status: criteria provided, single submitter. Criteria: ACMG Guidelines, 2015. Collection method: clinical testing. Allele origin: germline. Affected: yes.
Comment: ACMG classification criteria: PM2 moderate, BP4 supporting

NM_006164.5(NFE2L2):c.868A>G (p.Ile290Val)

Gene: NFE2L2 (NFE2 like bZIP transcription factor 2; minus strand). Cytogenetic location: 2q31.2.
Variant type: single nucleotide variant.
Coding change: c.868A>G on transcript NM_006164.5 (MANE Select); coding-DNA position 868, A replaced by G.
Protein change: p.Ile290Val; replaces isoleucine 290 with valine.
Molecular consequence: missense variant.
Genome position (GRCh38, 1-based): chr2:177,231,735, T>C on the plus strand (A>G on the coding strand, the complement: NFE2L2 is on the minus strand). VCF-style: chr2-177231735-T-C. GRCh37 (hg19) VCF-style: chr2-178096463-T-C.
Other names: c.820A>G, p.Ile274Val (NM_001145412.3, NM_001313900.1, NM_001313901.1); c.799A>G, p.Ile267Val (NM_001145413.3); c.778A>G, p.Ile260Val (NM_001313902.2); c.649A>G, p.Ile217Val (NM_001313903.2); c.568A>G, p.Ile190Val (NM_001313904.1); short protein forms I190V, I217V, I260V, I267V, I274V, I290V.
Identifiers: ClinVar variation 1683636 (VCV001683636.2), dbSNP rs1238567635, ClinGen allele CA349373386.